The following is an entry in ClinVar:

ClinVar aggregate classification (germline): Uncertain significance. Review status: criteria provided, multiple submitters, no conflicts (2 of 4 stars). 2 submissions from 2 submitters: Uncertain significance (2). Last evaluated 2025-04-09.

Conditions:
Cardiovascular phenotype. Identifiers: MedGen CN230736.
Danon disease. Also called: ANTOPOL DISEASE; GSD IIb; LYSOSOMAL GLYCOGEN STORAGE DISEASE WITHOUT ACID MALTASE DEFICIENCY; Glycogen Storage Disease Type IIb; PSEUDOGLYCOGENOSIS II. Identifiers: Orphanet 34587, MedGen C0878677, MONDO:0010281, OMIM 300257.

Submissions (2):

Molecular Diagnostic Laboratory for Inherited Cardiovascular Disease, Montreal Heart Institute
Classification: Uncertain significance for Cardiovascular phenotype. Last evaluated: 2025-04-09. Review status: criteria provided, single submitter. Criteria: ACMG Guidelines, 2015. Collection method: clinical testing. Allele origin: germline. Affected: yes.

Labcorp Genetics (formerly Invitae), Labcorp
Classification: Uncertain significance for Danon disease. Last evaluated: 2025-01-19. Review status: criteria provided, single submitter. Criteria: Invitae Variant Classification Sherloc (09022015). Collection method: clinical testing. Allele origin: germline.
Comment: This sequence change replaces threonine, which is neutral and polar, with isoleucine, which is neutral and non-polar, at codon 194 of the LAMP2 protein (p.Thr194Ile). This variant is not present in population databases (gnomAD no frequency). This variant has not been reported in the literature in individuals affected with LAMP2-related conditions. ClinVar contains an entry for this variant (Variation ID: 2193098). Invitae Evidence Modeling of protein sequence and biophysical properties (such as structural, functional, and spatial information, amino acid conservation, physicochemical variation, residue mobility, and thermodynamic stability) indicates that this missense variant is not expected to disrupt LAMP2 protein function with a negative predictive value of 80%. In summary, the available evidence is currently insufficient to determine the role of this variant in disease. Therefore, it has been classified as a Variant of Uncertain Significance.

NM_002294.3(LAMP2):c.581C>T (p.Thr194Ile)

Gene: LAMP2 (lysosome associated membrane protein 2; minus strand). Cytogenetic location: Xq24.
Variant type: single nucleotide variant.
Coding change: c.581C>T on transcript NM_002294.3 (MANE Select); coding-DNA position 581, C replaced by T.
Protein change: p.Thr194Ile; replaces threonine 194 with isoleucine.
Molecular consequence: missense variant.
Genome position (GRCh38, 1-based): chrX:120,448,001, G>A on the plus strand (C>T on the coding strand, the complement: LAMP2 is on the minus strand). VCF-style: chrX-120448001-G-A. GRCh37 (hg19) VCF-style: chrX-119581856-G-A.
Other names: c.581C>T, p.Thr194Ile (NM_001122606.1, NM_013995.2); short protein forms T194I.
Identifiers: ClinVar variation 2193098 (VCV002193098.5), dbSNP rs1033442580, ClinGen allele CA414401689.